The following is an entry in ClinVar:

NM_022051.3(EGLN1):c.1132C>T (p.Pro378Ser)

Gene: EGLN1 (egl-9 family hypoxia inducible factor 1; minus strand). Cytogenetic location: 1q42.2.
Variant type: single nucleotide variant.
Coding change: c.1132C>T on transcript NM_022051.3 (MANE Select); coding-DNA position 1132, C replaced by T.
Protein change: p.Pro378Ser; replaces proline 378 with serine.
Molecular consequence: missense variant. On other transcripts: intron variant (1).
Genome position (GRCh38, 1-based): chr1:231,370,578, G>A on the plus strand (C>T on the coding strand, the complement: EGLN1 is on the minus strand). VCF-style: chr1-231370578-G-A. GRCh37 (hg19) VCF-style: chr1-231506324-G-A.
Other names: c.1132C>T, p.Pro378Ser (NM_001377260.1); c.1012-2942C>T (NM_001377261.1); short protein forms P378S.
Identifiers: ClinVar variation 1728806 (VCV001728806.6), dbSNP rs1437849917, ClinGen allele CA345240063.

ClinVar aggregate classification (germline): Uncertain significance. Review status: criteria provided, multiple submitters, no conflicts (2 of 4 stars). 2 submissions from 2 submitters: Uncertain significance (2). Last evaluated 2025-10-14.

Conditions:
Erythrocytosis, familial, 3 (ECYT3). Identifiers: Orphanet 247511, MedGen C1853286, MONDO:0012353, OMIM 609820.

Allele frequency attached by ClinVar (database versions not stated): gnomAD exomes below 0.00001; TOPMed below 0.00001.
gnomAD v4.1: 1 of 1,613,868 alleles (0.000062%); highest among the groups gnomAD compares: Non-Finnish European, 0.000085%; no homozygotes.

Submissions (2):

Labcorp Genetics (formerly Invitae), Labcorp
Classification: Uncertain significance for Erythrocytosis, familial, 3. Last evaluated: 2025-10-14. Review status: criteria provided, single submitter. Criteria: Invitae Variant Classification Sherloc (09022015). Collection method: clinical testing. Allele origin: germline.
Comment: This sequence change replaces proline, which is neutral and non-polar, with serine, which is neutral and polar, at codon 378 of the EGLN1 protein (p.Pro378Ser). This variant is present in population databases (no rsID available, gnomAD 0.0009%). This missense change has been observed in individual(s) with clinical features of erythrocytosis (PMID: 29790589, 32755251, 37317877). ClinVar contains an entry for this variant (Variation ID: 1728806). An algorithm developed to predict the effect of missense changes on protein structure and function (PolyPhen-2) suggests that this variant is likely to be disruptive. Experimental studies have shown that this missense change affects EGLN1 function (PMID: 32755251). In summary, the available evidence is currently insufficient to determine the role of this variant in disease. Therefore, it has been classified as a Variant of Uncertain Significance.

Ambry Genetics
Classification: Uncertain significance. Last evaluated: 2023-09-11. Review status: criteria provided, single submitter. Criteria: Ambry Variant Classification Scheme 2023. Collection method: clinical testing. Allele origin: germline.
Comment: The p.P378S variant (also known as c.1132C>T), located in coding exon 3 of the EGLN1 gene, results from a C to T substitution at nucleotide position 1132. The proline at codon 378 is replaced by serine, an amino acid with similar properties. This amino acid position is highly conserved in available vertebrate species. In addition, the in silico prediction for this alteration is inconclusive. The evidence for this gene-disease relationship is limited; therefore, the clinical significance of this alteration is unclear.

Literature cited by the submitters: PubMed 29790589 (cited by Labcorp Genetics (formerly Invitae), Labcorp); PubMed 32755251 (cited by Labcorp Genetics (formerly Invitae), Labcorp); PubMed 37317877 (cited by Labcorp Genetics (formerly Invitae), Labcorp).